The following is an entry in ClinVar:

NM_012330.4(KAT6B):c.4487C>T (p.Pro1496Leu)

Gene: KAT6B (lysine acetyltransferase 6B; plus strand). Cytogenetic location: 10q22.2.
Variant type: single nucleotide variant.
Coding change: c.4487C>T on transcript NM_012330.4 (MANE Select); coding-DNA position 4487, C replaced by T.
Protein change: p.Pro1496Leu; replaces proline 1496 with leucine.
Molecular consequence: missense variant.
Genome position (GRCh38, 1-based): chr10:75,029,311, C>T. VCF-style: chr10-75029311-C-T. GRCh37 (hg19) VCF-style: chr10-76789069-C-T.
Other names: c.3938C>T, p.Pro1313Leu (NM_001256468.2, NM_001370138.1); c.3611C>T, p.Pro1204Leu (NM_001256469.2, NM_001370139.1, NM_001370140.1 and 2 more transcripts); c.3449C>T, p.Pro1150Leu (NM_001370132.1); c.2798C>T, p.Pro933Leu (NM_001370133.1); c.2402C>T, p.Pro801Leu (NM_001370134.1); c.2144C>T, p.Pro715Leu (NM_001370135.1); c.4487C>T, p.Pro1496Leu (NM_001370136.1, NM_001370137.1); c.3422C>T, p.Pro1141Leu (NM_001370143.1, NM_001370144.1); short protein forms P1141L, P801L, P1150L, P1204L, P1313L, P1496L, P715L, P933L.
Identifiers: ClinVar variation 4744789 (VCV004744789.1).

ClinVar aggregate classification (germline): Uncertain significance (1 of 4 stars; one submission).

Conditions:
Genitopatellar syndrome (GTPTS). Also called: ABSENT PATELLAE, SCROTAL HYPOPLASIA, RENAL ANOMALIES, FACIAL DYSMORPHISM, AND MENTAL RETARDATION; Genitopatellar syndrome (GPS). Identifiers: Orphanet 85201, MedGen C1853566, MONDO:0011640, OMIM 606170.

gnomAD v4.1: 2 of 1,614,102 alleles (0.00012%); highest among the groups gnomAD compares: Admixed American, 0.0017%; no homozygotes.

Submission:

Labcorp Genetics (formerly Invitae), Labcorp
Classification: Uncertain significance for Genitopatellar syndrome. Last evaluated: 2025-01-29. Review status: criteria provided, single submitter. Criteria: Invitae Variant Classification Sherloc (09022015). Collection method: clinical testing. Allele origin: germline.
Comment: This sequence change replaces proline, which is neutral and non-polar, with leucine, which is neutral and non-polar, at codon 1496 of the KAT6B protein (p.Pro1496Leu). This variant is present in population databases (rs758258030, gnomAD 0.003%). This variant has not been reported in the literature in individuals affected with KAT6B-related conditions. Invitae Evidence Modeling of protein sequence and biophysical properties (such as structural, functional, and spatial information, amino acid conservation, physicochemical variation, residue mobility, and thermodynamic stability) has been performed for this missense variant. However, the output from this modeling did not meet the statistical confidence thresholds required to predict the impact of this variant on KAT6B protein function. In summary, the available evidence is currently insufficient to determine the role of this variant in disease. Therefore, it has been classified as a Variant of Uncertain Significance.